The following is an entry in ClinVar:

ClinVar aggregate classification (germline): Uncertain significance (1 of 4 stars; one submission).

Conditions:
SEMA3B-related disorder. Also called: SEMA3B-related condition.

gnomAD v4.1: 2 of 1,613,612 alleles (0.00012%); highest among the groups gnomAD compares: Non-Finnish European, 0.00017%; no homozygotes.

Submission:

PreventionGenetics, part of Exact Sciences
Classification: Uncertain significance for SEMA3B-related condition. Last evaluated: 2025-02-28. Review status: criteria provided, single submitter. Criteria: ACMG Guidelines, 2015. Collection method: clinical testing. Allele origin: germline.
Comment: The SEMA3B c.318G>T variant is not predicted to result in an amino acid change (p.=). To our knowledge, this variant has not been reported in the literature or in a large population database (gnomAD), indicating this variant is rare. This variant is predicted to affect splicing (SpliceAI, Jaganathan K, et al. 2019. PubMed ID: 30661751). At this time, the clinical significance of this variant is uncertain due to the absence of conclusive functional and genetic evidence.

NM_001290060.2(SEMA3B):c.318G>T (p.Gly106=)

Gene: SEMA3B (semaphorin 3B; plus strand). Cytogenetic location: 3p21.31.
Variant type: single nucleotide variant.
Coding change: c.318G>T on transcript NM_001290060.2 (MANE Select); coding-DNA position 318, G replaced by T.
Protein change: p.Gly106=; no amino-acid change (glycine 106 retained).
Molecular consequence: synonymous variant.
Genome position (GRCh38, 1-based): chr3:50,270,483, G>T. VCF-style: chr3-50270483-G-T. GRCh37 (hg19) VCF-style: chr3-50307914-G-T.
Other names: c.318G>T, p.Gly106= (NM_001005914.3, NM_001290061.1, NM_001435956.1 and 3 more transcripts).
Identifiers: ClinVar variation 4998932 (VCV004998932.1).